The following is an entry in ClinVar:

ClinVar aggregate classification (germline): Uncertain significance (1 of 4 stars; one submission).

Submission:

GeneDx
Classification: Uncertain significance. Last evaluated: 2024-03-27. Review status: criteria provided, single submitter. Criteria: GeneDx Variant Classification Process June 2021. Collection method: clinical testing. Allele origin: germline. Affected: yes.
Comment: Not observed at significant frequency in large population cohorts (gnomAD); In-frame deletion of 12 amino acids in a non-repeat region; In silico analysis supports a deleterious effect on protein structure/function; Has not been previously published as pathogenic or benign to our knowledge

NM_014423.4(AFF4):c.444_479del (p.Gln149_Gly160del)

Gene: AFF4 (ALF transcription elongation factor 4; minus strand). Cytogenetic location: 5q31.1.
Variant type: Deletion.
Coding change: c.444_479del on transcript NM_014423.4 (MANE Select); coding-DNA positions 444 to 479, 36 bases deleted.
Protein change: p.Gln149_Gly160del.
Genome position (GRCh38, 1-based): chr5:132,934,586-132,934,621, 36 bases deleted; deleting any 36 consecutive bases within chr5:132,934,586-132,934,627 gives the same sequence; the c. name uses the placement nearest the transcript's 3' end. GRCh37 (hg19): chr5:132,270,284-132,270,319.
Identifiers: ClinVar variation 3371762 (VCV003371762.1).